The following is an entry in ClinVar:

ClinVar aggregate classification (germline): Uncertain significance (1 of 4 stars; one submission).

Conditions:
NRP2-related disorder. Also called: NRP2-related condition.

gnomAD v4.1: 82 of 1,614,146 alleles (0.0051%); highest among the groups gnomAD compares: Non-Finnish European, 0.0065%; no homozygotes.

Submission:

PreventionGenetics, part of Exact Sciences
Classification: Uncertain significance for NRP2-related condition. Last evaluated: 2025-04-23. Review status: criteria provided, single submitter. Criteria: ACMG Guidelines, 2015. Collection method: clinical testing. Allele origin: germline.
Comment: The NRP2 c.472G>A variant is predicted to result in the amino acid substitution p.Gly158Arg. To our knowledge, this variant has not been reported in the literature. This variant is reported in 0.0062% of alleles in individuals of African descent in gnomAD. At this time, the clinical significance of this variant is uncertain due to the absence of conclusive functional and genetic evidence.

NM_003872.3(NRP2):c.472G>A (p.Gly158Arg)

Gene: NRP2 (neuropilin 2; plus strand). Cytogenetic location: 2q33.3.
Variant type: single nucleotide variant.
Coding change: c.472G>A on transcript NM_003872.3 (MANE Select); coding-DNA position 472, G replaced by A.
Protein change: p.Gly158Arg; replaces glycine 158 with arginine.
Molecular consequence: missense variant.
Genome position (GRCh38, 1-based): chr2:205,722,516, G>A. VCF-style: chr2-205722516-G-A. GRCh37 (hg19) VCF-style: chr2-206587240-G-A.
Other names: c.472G>A, p.Gly158Arg (NM_018534.4, NM_201264.2, NM_201266.2 and 2 more transcripts); short protein forms G158R.
Identifiers: ClinVar variation 4990398 (VCV004990398.1).
Genomic context (GRCh38, chr2:205,722,516, plus strand): 5'-TACAGTTCTCTTTTACATACAGGCTCTGAAGATTGCTCAAAAAACTTCACAAGCCCCAAC[G>A]GGACCATCGAATCTCCTGGGTTTCCTGAGAAGTATCCACACAACTTGGACTGCACCTTTA-3'
Protein context (NP_003863.2, residues 148-168): DCSKNFTSPN[Gly158Arg]TIESPGFPEK